The following is an entry in ClinVar:

NM_198904.4(GABRG2):c.220C>G (p.Leu74Val)

Gene: GABRG2 (gamma-aminobutyric acid type A receptor subunit gamma2; plus strand). Cytogenetic location: 5q34.
Variant type: single nucleotide variant.
Coding change: c.220C>G on transcript NM_198904.4 (MANE Select); coding-DNA position 220, C replaced by G.
Protein change: p.Leu74Val; replaces leucine 74 with valine.
Molecular consequence: missense variant. On other transcripts: 5 prime UTR variant (3).
Genome position (GRCh38, 1-based): chr5:162,093,940, C>G. VCF-style: chr5-162093940-C-G. GRCh37 (hg19) VCF-style: chr5-161520946-C-G.
Other names: p.L74V:CTG>GTG; c.211C>G, p.Leu71Val (NM_001375339.1); c.220C>G, p.Leu74Val (NM_001375340.1, NM_001375341.1, NM_001375342.1 and 4 more transcripts); c.154C>G, p.Leu52Val (NM_001375345.1, NM_001375346.1); c.133C>G, p.Leu45Val (NM_001375347.1); c.-139C>G (NM_001375348.1, NM_001375350.1); c.-66C>G (NM_001375349.1); short protein forms L74V, L45V, L52V, L71V.
Identifiers: ClinVar variation 205539 (VCV000205539.2), dbSNP rs796052503, ClinGen allele CA314706.
Genomic context (GRCh38, chr5:162,093,940, plus strand): 5'-ACATGGGTCTTGACTCCAAAAGTTCCTGAGGGTGATGTCACTGTCATCTTAAACAACCTG[C>G]TGGAAGGATATGACAATAAACTTCGGCCTGATATAGGAGGTTTGTTAAAGTCTTTTGCGT-3'
Protein context (NP_944494.1, residues 64-84): GDVTVILNNL[Leu74Val]EGYDNKLRPD

ClinVar aggregate classification (germline): Likely pathogenic (1 of 4 stars; one submission).

Submission:

GeneDx
Classification: Likely pathogenic. Last evaluated: 2012-05-10. Review status: criteria provided, single submitter. Criteria: GeneDx Variant Classification (06012015). Collection method: clinical testing. Allele origin: germline. Affected: yes.
Comment: p.Leu74Val (CTG>GTG): c.220 C>G in exon 2 of the GABRG2 gene (NM_000816.3) The Leu74Val missense change has not been published as a mutation, nor has it been reported as a benign polymorphism to our knowledge. The NHLBI ESP Exome Variant Project has not identified Leu74Val in approximately 5,000 individuals of European or African American ethnicity, indicating that it is not a common benign variant in these populations. The amino acid substitution is conservative, as both Leucine and Valine are uncharged, non-polar amino acids of similar size. However, it alters a highly conserved position in the N-terminal extracellular domain of the protein, and other missense mutations at nearby codons (N79S, R82Q, P83S) have been reported in association with epilepsy (MacDonald et al., 2010; Shi et al., 2010; Lachance-Touchette et al, 2011). Multiple in silico algorithms predict that Leu74Val is damaging to protein structure/function. Based on the available information, Leu74Val is a strong candidate to be a disease-causing mutation, but the possibility that it is a benign variant cannot be excluded. The variant is found in CHILD-EPI panel(s).